The following is an entry in ClinVar:

NM_001042492.3(NF1):c.5905C>T (p.Gln1969Ter)

Gene: NF1 (neurofibromin 1; plus strand). Cytogenetic location: 17q11.2.
Variant type: single nucleotide variant.
Coding change: c.5905C>T on transcript NM_001042492.3 (MANE Select); coding-DNA position 5905, C replaced by T.
Protein change: p.Gln1969Ter; replaces glutamine 1969 with a stop codon.
Molecular consequence: nonsense.
Genome position (GRCh38, 1-based): chr17:31,334,930, C>T. VCF-style: chr17-31334930-C-T. GRCh37 (hg19) VCF-style: chr17-29661948-C-T.
Other names: c.5842C>T, p.Gln1948Ter (NM_000267.4); short protein forms Q1948*, Q1969*.
Identifiers: ClinVar variation 2982376 (VCV002982376.3), dbSNP rs2151550494, ClinGen allele CA399010757.

ClinVar aggregate classification (germline): Pathogenic (1 of 4 stars; one submission).

Conditions:
Neurofibromatosis, type 1 (NF1). Also called: Peripheral type neurofibromatosis; NEUROFIBROMATOSIS, TYPE I, SOMATIC; Neurofibromatosis, type I; VON RECKLINGHAUSEN DISEASE. Identifiers: Orphanet 636, MedGen C0027831, MONDO:0018975, OMIM 162200. Disease mechanism: loss of function.

Submission:

Labcorp Genetics (formerly Invitae), Labcorp
Classification: Pathogenic for Neurofibromatosis, type 1. Last evaluated: 2022-12-25. Review status: criteria provided, single submitter. Criteria: Invitae Variant Classification Sherloc (09022015). Collection method: clinical testing. Allele origin: germline.
Comment: For these reasons, this variant has been classified as Pathogenic. This premature translational stop signal has been observed in individual(s) with neurofibromatosis type I (NF1) (PMID: 31370276). This variant is not present in population databases (gnomAD no frequency). This sequence change creates a premature translational stop signal (p.Gln1948*) in the NF1 gene. It is expected to result in an absent or disrupted protein product. Loss-of-function variants in NF1 are known to be pathogenic (PMID: 10712197, 23913538).

Literature cited by the submitters: PubMed 31370276; PubMed 10712197; PubMed 23913538.